The following is an entry in ClinVar:

NM_006180.6(NTRK2):c.1569G>C (p.Lys523Asn)

Gene: NTRK2 (neurotrophic receptor tyrosine kinase 2; plus strand). Cytogenetic location: 9q21.33.
Variant type: single nucleotide variant.
Coding change: c.1569G>C on transcript NM_006180.6 (MANE Select); coding-DNA position 1569, G replaced by C.
Protein change: p.Lys523Asn; replaces lysine 523 with asparagine.
Molecular consequence: missense variant.
Genome position (GRCh38, 1-based): chr9:84,867,367, G>C. VCF-style: chr9-84867367-G-C. GRCh37 (hg19) VCF-style: chr9-87482282-G-C.
Other names: c.1521G>C, p.Lys507Asn (NM_001018064.3, NM_001018066.3, NM_001369532.1 and 2 more transcripts); c.1569G>C, p.Lys523Asn (NM_001018065.2, NM_001369537.1, NM_001381928.1); c.1485G>C, p.Lys495Asn (NM_001369534.1); c.1053G>C, p.Lys351Asn (NM_001369535.1); c.1101G>C, p.Lys367Asn (NM_001369536.1); short protein forms K351N, K367N, K495N, K507N, K523N.
Identifiers: ClinVar variation 2574398 (VCV002574398.2), dbSNP rs201888268, ClinGen allele CA195792443.

ClinVar aggregate classification (germline): Uncertain significance (1 of 4 stars; one submission).

Submission:

GeneDx
Classification: Uncertain significance. Last evaluated: 2024-12-02. Review status: criteria provided, single submitter. Criteria: GeneDx Variant Classification Process June 2021. Collection method: clinical testing. Allele origin: germline. Affected: yes.
Comment: Not observed at significant frequency in large population cohorts (gnomAD); In silico analysis supports that this missense variant does not alter protein structure/function; Has not been previously published as pathogenic or benign to our knowledge